The following is an entry in ClinVar:

ClinVar aggregate classification (germline): Uncertain significance (1 of 4 stars; one submission).

Conditions:
Leber congenital amaurosis 6 (LCA6). Identifiers: Orphanet 65, MedGen C1854260, MONDO:0013446, OMIM 613826.
Cone-rod dystrophy 13 (CORD13). Identifiers: Orphanet 1872, MedGen C2750720, MONDO:0011987, OMIM 608194.

Allele frequency attached by ClinVar (database versions not stated): gnomAD exomes 0.00001.
gnomAD v4.1: 16 of 1,611,652 alleles (0.00099%); highest among the groups gnomAD compares: Non-Finnish European, 0.0014%; no homozygotes.

Submission:

Labcorp Genetics (formerly Invitae), Labcorp
Classification: Uncertain significance for Leber congenital amaurosis 6; Cone-rod dystrophy 13. Last evaluated: 2020-10-30. Review status: criteria provided, single submitter. Criteria: Invitae Variant Classification Sherloc (09022015). Collection method: clinical testing. Allele origin: germline.
Comment: In summary, the available evidence is currently insufficient to determine the role of this variant in disease. Therefore, it has been classified as a Variant of Uncertain Significance. Algorithms developed to predict the effect of missense changes on protein structure and function (SIFT, PolyPhen-2, Align-GVGD) all suggest that this variant is likely to be tolerated, but these predictions have not been confirmed by published functional studies and their clinical significance is uncertain. This variant has not been reported in the literature in individuals with RPGRIP1-related conditions. This variant is not present in population databases (ExAC no frequency). This sequence change replaces histidine with arginine at codon 3 of the RPGRIP1 protein (p.His3Arg). The histidine residue is weakly conserved and there is a small physicochemical difference between histidine and arginine.

NM_020366.4(RPGRIP1):c.8A>G (p.His3Arg)

Gene: RPGRIP1 (RPGR interacting protein 1; plus strand). Cytogenetic location: 14q11.2.
Variant type: single nucleotide variant.
Coding change: c.8A>G on transcript NM_020366.4 (MANE Select); coding-DNA position 8, A replaced by G.
Protein change: p.His3Arg; replaces histidine 3 with arginine.
Molecular consequence: missense variant.
Genome position (GRCh38, 1-based): chr14:21,287,984, A>G. VCF-style: chr14-21287984-A-G. GRCh37 (hg19) VCF-style: chr14-21756143-A-G.
Other names: short protein forms H3R.
Identifiers: ClinVar variation 1353125 (VCV001353125.8), dbSNP rs2139132081, ClinGen allele CA388856780.
Genomic context (GRCh38, chr14:21,287,984, plus strand): 5'-TTTCCTTTATTTCAGTGTCCTCTGGGATCTCTTACAGCTTGGGAACAGAGATCATGTCAC[A>G]TCTGGTGGACCCTACATCAGGAGACTTGCCAGTTAGAGACATAGATGCTATACCTCTGGT-3'
Protein context (NP_065099.3, residues 1-13): MS[His3Arg]LVDPTSGDLP